The following is an entry in ClinVar:

NM_005228.5(EGFR):c.3025G>A (p.Asp1009Asn)

Gene: EGFR (epidermal growth factor receptor; plus strand). Cytogenetic location: 7p11.2.
Variant type: single nucleotide variant.
Coding change: c.3025G>A on transcript NM_005228.5 (MANE Select); coding-DNA position 3025, G replaced by A.
Protein change: p.Asp1009Asn; replaces aspartic acid 1009 with asparagine.
Molecular consequence: missense variant.
Genome position (GRCh38, 1-based): chr7:55,201,266, G>A. VCF-style: chr7-55201266-G-A. GRCh37 (hg19) VCF-style: chr7-55268959-G-A.
Other names: c.2890G>A, p.Asp964Asn (NM_001346897.2, NM_001346899.2); c.3025G>A, p.Asp1009Asn (NM_001346898.2); c.2866G>A, p.Asp956Asn (NM_001346900.2); c.2224G>A, p.Asp742Asn (NM_001346941.2); short protein forms D956N, D1009N, D742N, D964N.
Identifiers: ClinVar variation 953825 (VCV000953825.10), dbSNP rs148019583, ClinGen allele CA4266241.

ClinVar aggregate classification (germline): Uncertain significance. Review status: criteria provided, multiple submitters, no conflicts (2 of 4 stars). 3 submissions from 3 submitters: Uncertain significance (3). Last evaluated 2025-11-11.

Conditions:
EGFR-related lung cancer (EGFR). Identifiers: MedGen CN130014.
Hereditary cancer-predisposing syndrome. Also called: Hereditary neoplastic syndrome; Tumor predisposition; Neoplastic Syndromes, Hereditary; Hereditary Cancer Syndrome. Identifiers: Orphanet 140162, MedGen C0027672, MeSH D009386, MONDO:0015356.

Allele frequency attached by ClinVar (database versions not stated): gnomAD exomes below 0.00001 and 0.00001; gnomAD 0.00001; ExAC 0.00002; TOPMed 0.00003; ESP Exome Variant Server 0.00015.
gnomAD v4.1: 10 of 1,614,016 alleles (0.00062%); highest among the groups gnomAD compares: African/African-American, 0.004%; no homozygotes.

Submissions (3):

Labcorp Genetics (formerly Invitae), Labcorp
Classification: Uncertain significance for EGFR-related lung cancer. Last evaluated: 2025-11-11. Review status: criteria provided, single submitter. Criteria: Invitae Variant Classification Sherloc (09022015). Collection method: clinical testing. Allele origin: germline.
Comment: This sequence change replaces aspartic acid, which is acidic and polar, with asparagine, which is neutral and polar, at codon 1009 of the EGFR protein (p.Asp1009Asn). This variant is present in population databases (rs148019583, gnomAD 0.007%). This variant has not been reported in the literature in individuals affected with EGFR-related conditions. ClinVar contains an entry for this variant (Variation ID: 953825). Invitae Evidence Modeling of protein sequence and biophysical properties (such as structural, functional, and spatial information, amino acid conservation, physicochemical variation, residue mobility, and thermodynamic stability) indicates that this missense variant is not expected to disrupt EGFR protein function with a negative predictive value of 80%. In summary, the available evidence is currently insufficient to determine the role of this variant in disease. Therefore, it has been classified as a Variant of Uncertain Significance.

Ambry Genetics
Classification: Uncertain significance for Hereditary cancer-predisposing syndrome. Last evaluated: 2024-12-30. Review status: criteria provided, single submitter. Criteria: Ambry Variant Classification Scheme 2023. Collection method: clinical testing. Allele origin: germline.
Comment: The p.D1009N variant (also known as c.3025G>A), located in coding exon 25 of the EGFR gene, results from a G to A substitution at nucleotide position 3025. The aspartic acid at codon 1009 is replaced by asparagine, an amino acid with highly similar properties. This amino acid position is highly conserved in available vertebrate species. In addition, this alteration is predicted to be tolerated by in silico analysis. Based on the available evidence, the clinical significance of this variant remains unclear.

Revvity Omics, Revvity
Classification: Uncertain significance. Last evaluated: 2024-09-11. Review status: criteria provided, single submitter. Criteria: ACMG Guidelines, 2015. Collection method: clinical testing. Allele origin: germline.